The following is an entry in ClinVar:

NM_003356.4(UCP3):c.873C>T (p.Phe291=)

Gene: UCP3 (uncoupling protein 3; minus strand). Cytogenetic location: 11q13.4.
Variant type: single nucleotide variant.
Coding change: c.873C>T on transcript NM_003356.4 (MANE Select); coding-DNA position 873, C replaced by T.
Protein change: p.Phe291=; no amino-acid change (phenylalanine 291 retained).
Molecular consequence: synonymous variant.
Genome position (GRCh38, 1-based): chr11:74,001,478, G>A on the plus strand (C>T on the coding strand, the complement: UCP3 is on the minus strand). VCF-style: chr11-74001478-G-A. GRCh37 (hg19) VCF-style: chr11-73712523-G-A.
Identifiers: ClinVar variation 3033703 (VCV003033703.3), dbSNP rs368039089, ClinGen allele CA6181320.

ClinVar aggregate classification (germline): Likely benign. Review status: criteria provided, single submitter (1 of 4 stars). 2 submissions from 2 submitters: Likely benign (1). 1 of the submissions does not count toward it. Last evaluated 2024-09-18.

Conditions:
UCP3-related disorder. Also called: UCP3-related condition.

Allele frequency attached by ClinVar (database versions not stated): TOPMed 0.00005; ExAC 0.00010; 1000 Genomes Project 30x 0.00016; 1000 Genomes Project 0.00020.
gnomAD v4.1: 113 of 1,614,062 alleles (0.007%); highest among the groups gnomAD compares: Middle Eastern, 0.082%; no homozygotes.

Submissions (2):

Blueprint Genetics
Classification: Likely benign. Last evaluated: 2024-09-18. Review status: criteria provided, single submitter. Criteria: ACMG Guidelines, 2015. Collection method: clinical testing. Allele origin: germline.

PreventionGenetics, part of Exact Sciences
Classification: Likely benign for UCP3-related condition. Last evaluated: 2022-12-14. Review status: no assertion criteria provided. Collection method: clinical testing. Allele origin: germline. Not counted in ClinVar's aggregate classification.
Comment: This variant is classified as likely benign based on ACMG/AMP sequence variant interpretation guidelines (Richards et al. 2015 PMID: 25741868, with internal and published modifications).